The following is an entry in ClinVar:

ClinVar aggregate classification (germline): Benign/Likely benign. Review status: criteria provided, multiple submitters, no conflicts (2 of 4 stars). 9 submissions from 9 submitters: Benign (1); Likely benign (7). 1 of the submissions does not count toward it. Last evaluated 2025-10-23.

Conditions:
BARD1-related disorder. Also called: BARD1-related condition.
Hereditary cancer-predisposing syndrome. Also called: Hereditary Cancer Syndrome; Tumor predisposition; Neoplastic Syndromes, Hereditary; Hereditary neoplastic syndrome. Identifiers: Orphanet 140162, MedGen C0027672, MeSH D009386, MONDO:0015356.
Familial cancer of breast. Also called: hereditary breast carcinoma; BREAST CANCER, FAMILIAL; Hereditary breast cancer. Identifiers: Orphanet 227535, MedGen C0346153, MONDO:0016419, OMIM 114480. Disease mechanism: loss of function.

Allele frequency attached by ClinVar (database versions not stated): gnomAD exomes 0.00001; TOPMed 0.00001; ExAC 0.00002; gnomAD 0.00001.
gnomAD v4.1: 7 of 1,614,110 alleles (0.00043%); highest among the groups gnomAD compares: African/African-American, 0.0013%; no homozygotes.

Submissions (9):

Labcorp Genetics (formerly Invitae), Labcorp
Classification: Likely benign for Familial cancer of breast. Last evaluated: 2025-10-23. Review status: criteria provided, single submitter. Criteria: Invitae Variant Classification Sherloc (09022015). Collection method: clinical testing. Allele origin: germline.

Quest Diagnostics Nichols Institute San Juan Capistrano
Classification: Likely benign. Last evaluated: 2025-08-29. Review status: criteria provided, single submitter. Criteria: Quest Diagnostics criteria. Collection method: clinical testing. Allele origin: unknown.

Myriad Genetics, Inc.
Classification: Benign for Familial cancer of breast. Last evaluated: 2024-07-29. Review status: criteria provided, single submitter. Criteria: Myriad Autosomal Dominant, Autosomal Recessive and X-Linked Classification Criteria (2023). Collection method: clinical testing. Allele origin: unknown.
Comment: This variant is considered benign. This variant is a silent/synonymous amino acid change and it is not expected to impact splicing.

Women's Health and Genetics/Laboratory Corporation of America, LabCorp
Classification: Likely benign. Last evaluated: 2021-10-16. Review status: criteria provided, single submitter. Criteria: LabCorp Variant Classification Summary - May 2015. Collection method: clinical testing. Allele origin: germline.

Blueprint Genetics
Classification: Likely benign. Last evaluated: 2020-07-27. Review status: criteria provided, single submitter. Criteria: ACMG Guidelines, 2015. Collection method: clinical testing. Allele origin: germline.

Color Diagnostics, LLC DBA Color Health
Classification: Likely benign for Hereditary cancer-predisposing syndrome. Last evaluated: 2018-03-13. Review status: criteria provided, single submitter. Criteria: ACMG Guidelines, 2015. Collection method: clinical testing. Allele origin: germline.

GeneDx
Classification: Likely benign. Last evaluated: 2017-09-19. Review status: criteria provided, single submitter. Criteria: GeneDx Variant Classification (06012015). Collection method: clinical testing. Allele origin: germline. Affected: yes.
Comment: This variant is considered likely benign or benign based on one or more of the following criteria: it is a conservative change, it occurs at a poorly conserved position in the protein, it is predicted to be benign by multiple in silico algorithms, and/or has population frequency not consistent with disease.

Ambry Genetics
Classification: Likely benign for Hereditary cancer-predisposing syndrome. Last evaluated: 2017-07-27. Review status: criteria provided, single submitter. Criteria: Ambry Variant Classification Scheme 2023. Collection method: clinical testing. Allele origin: germline.

PreventionGenetics, part of Exact Sciences
Classification: Likely benign for BARD1-related condition. Last evaluated: 2020-10-05. Review status: no assertion criteria provided. Collection method: clinical testing. Allele origin: germline. Not counted in ClinVar's aggregate classification.
Comment: This variant is classified as likely benign based on ACMG/AMP sequence variant interpretation guidelines (Richards et al. 2015 PMID: 25741868, with internal and published modifications).

NM_000465.4(BARD1):c.2145G>A (p.Gln715=)

Gene: BARD1 (BRCA1 associated RING domain 1; minus strand). Cytogenetic location: 2q35.
Variant type: single nucleotide variant.
Coding change: c.2145G>A on transcript NM_000465.4 (MANE Select); coding-DNA position 2145, G replaced by A.
Protein change: p.Gln715=; no amino-acid change (glutamine 715 retained).
Molecular consequence: synonymous variant. On other transcripts: non-coding transcript variant (3).
Genome position (GRCh38, 1-based): chr2:214,728,865, C>T on the plus strand (G>A on the coding strand, the complement: BARD1 is on the minus strand). VCF-style: chr2-214728865-C-T. GRCh37 (hg19) VCF-style: chr2-215593589-C-T.
Other names: c.2088G>A, p.Gln696= (NM_001282543.2); c.792G>A, p.Gln264= (NM_001282545.2); c.735G>A, p.Gln245= (NM_001282548.2); c.606G>A, p.Gln202= (NM_001282549.2).
Identifiers: ClinVar variation 219805 (VCV000219805.26), dbSNP rs760541330, ClinGen allele CA348370.